The following is an entry in ClinVar:

NM_032737.4(LMNB2):c.1796G>A (p.Gly599Asp)

Gene: LMNB2 (lamin B2; minus strand). Cytogenetic location: 19p13.3.
Variant type: single nucleotide variant.
Coding change: c.1796G>A on transcript NM_032737.4 (MANE Select); coding-DNA position 1796, G replaced by A.
Protein change: p.Gly599Asp; replaces glycine 599 with aspartic acid.
Molecular consequence: missense variant.
Genome position (GRCh38, 1-based): chr19:2,431,573, C>T on the plus strand (G>A on the coding strand, the complement: LMNB2 is on the minus strand). VCF-style: chr19-2431573-C-T. GRCh37 (hg19) VCF-style: chr19-2431571-C-T.
Other names: short protein forms G599D.
Identifiers: ClinVar variation 772460 (VCV000772460.13), dbSNP rs145978406, ClinGen allele CA9067300.

ClinVar aggregate classification (germline): Conflicting classifications of pathogenicity. Review status: criteria provided, conflicting classifications (1 of 4 stars). 3 submissions from 3 submitters: Uncertain significance (1); Likely benign (1). 1 of the submissions does not count toward it. Last evaluated 2024-06-30.

Conditions:
LMNB2-related disorder. Also called: LMNB2-related condition.
Progressive myoclonic epilepsy type 9. Identifiers: Orphanet 457265, MedGen C4225289, MONDO:0014685, OMIM 616540.
Lipodystrophy, partial, acquired, susceptibility to (APLD). Also called: APLD, SUSCEPTIBILITY TO. Identifiers: MedGen C3887501, MONDO:0100476, OMIM 608709.

Allele frequency attached by ClinVar (database versions not stated): gnomAD 0.00010; gnomAD exomes 0.00014 and 0.00029; TOPMed 0.00016; ExAC 0.00021; ESP Exome Variant Server 0.00023.
gnomAD v4.1: 266 of 1,614,034 alleles (0.016%); highest among the groups gnomAD compares: South Asian, 0.02%; 1 homozygote.

Submissions (3):

Labcorp Genetics (formerly Invitae), Labcorp
Classification: Likely benign for Progressive myoclonic epilepsy type 9; Lipodystrophy, partial, acquired, susceptibility to. Last evaluated: 2024-06-30. Review status: criteria provided, single submitter. Criteria: Invitae Variant Classification Sherloc (09022015). Collection method: clinical testing. Allele origin: germline.

Baylor Genetics
Classification: Uncertain significance for Progressive myoclonic epilepsy type 9. Last evaluated: 2018-03-02. Review status: criteria provided, single submitter. Criteria: ACMG Guidelines, 2015. Collection method: clinical testing. Allele origin: maternal. Affected: yes.
Comment: This variant was determined to be of uncertain significance according to ACMG Guidelines, 2015 [PMID:25741868].

PreventionGenetics, part of Exact Sciences
Classification: Likely benign for LMNB2-related condition. Last evaluated: 2023-09-19. Review status: no assertion criteria provided. Collection method: clinical testing. Allele origin: germline. Not counted in ClinVar's aggregate classification.
Comment: This variant is classified as likely benign based on ACMG/AMP sequence variant interpretation guidelines (Richards et al. 2015 PMID: 25741868, with internal and published modifications).